The following is an entry in ClinVar:

NM_004628.5(XPC):c.104-88A>G

Gene: XPC (XPC complex subunit, DNA damage recognition and repair factor; minus strand). Cytogenetic location: 3p25.1.
Variant type: single nucleotide variant.
Coding change: c.104-88A>G on transcript NM_004628.5 (MANE Select); 88 bases into the intron before coding-DNA position 104, A replaced by G.
Molecular consequence: intron variant.
Genome position (GRCh38, 1-based): chr3:14,173,150, T>C on the plus strand (A>G on the coding strand, the complement: XPC is on the minus strand). VCF-style: chr3-14173150-T-C. GRCh37 (hg19) VCF-style: chr3-14214650-T-C.
Other names: c.86-88A>G (NM_001354729.2); c.-352-88A>G (NM_001354726.2); c.104-88A>G (NM_001354730.2, NM_001354727.2).
Identifiers: ClinVar variation 1707382 (VCV001707382.2), dbSNP rs56218055, ClinGen allele CA69765038.

ClinVar aggregate classification (germline): Likely benign (1 of 4 stars; one submission).

Allele frequency attached by ClinVar (database versions not stated): gnomAD exomes 0.00093; 1000 Genomes Project 0.00559; 1000 Genomes Project 30x 0.00640; gnomAD 0.00770; TOPMed 0.00895.
gnomAD v4.1: 2,335 of 1,321,880 alleles (0.18%); highest among the groups gnomAD compares: African/African-American, 2.5%; 33 homozygotes.

Submission:

GeneDx
Classification: Likely benign. Last evaluated: 2019-11-29. Review status: criteria provided, single submitter. Criteria: GeneDx Variant Classification Process June 2021. Collection method: clinical testing. Allele origin: germline. Affected: yes.
Comment: See Variant Classification Assertion Criteria.